The following is an entry in ClinVar:

NM_022367.4(SEMA4A):c.1408C>T (p.Arg470Cys)

Gene: SEMA4A (semaphorin 4A; plus strand). Cytogenetic location: 1q22.
Variant type: single nucleotide variant.
Coding change: c.1408C>T on transcript NM_022367.4 (MANE Select); coding-DNA position 1408, C replaced by T.
Protein change: p.Arg470Cys; replaces arginine 470 with cysteine.
Molecular consequence: missense variant.
Genome position (GRCh38, 1-based): chr1:156,174,914, C>T. VCF-style: chr1-156174914-C-T. GRCh37 (hg19) VCF-style: chr1-156144705-C-T.
Other names: c.1408C>T, p.Arg470Cys (NM_001193300.2, NM_001193301.2, NM_001370567.1); c.1012C>T, p.Arg338Cys (NM_001193302.2); c.1111C>T, p.Arg371Cys (NM_001370568.1); c.901C>T, p.Arg301Cys (NM_001370569.1, NM_001370571.1); short protein forms R338C, R371C, R470C, R301C.
Identifiers: ClinVar variation 1520777 (VCV001520777.9), dbSNP rs770297776, ClinGen allele CA1155352.

ClinVar aggregate classification (germline): Uncertain significance. Review status: criteria provided, multiple submitters, no conflicts (2 of 4 stars). 2 submissions from 2 submitters: Uncertain significance (2). Last evaluated 2024-12-26.

Allele frequency attached by ClinVar (database versions not stated): gnomAD 0.00001; ExAC 0.00002; TOPMed 0.00002.

Submissions (2):

Labcorp Genetics (formerly Invitae), Labcorp
Classification: Uncertain significance. Last evaluated: 2024-12-26. Review status: criteria provided, single submitter. Criteria: Invitae Variant Classification Sherloc (09022015). Collection method: clinical testing. Allele origin: germline.
Comment: This sequence change replaces arginine, which is basic and polar, with cysteine, which is neutral and slightly polar, at codon 470 of the SEMA4A protein (p.Arg470Cys). This variant is present in population databases (rs770297776, gnomAD 0.01%). This variant has not been reported in the literature in individuals affected with SEMA4A-related conditions. ClinVar contains an entry for this variant (Variation ID: 1520777). Invitae Evidence Modeling of protein sequence and biophysical properties (such as structural, functional, and spatial information, amino acid conservation, physicochemical variation, residue mobility, and thermodynamic stability) has been performed for this missense variant. However, the output from this modeling did not meet the statistical confidence thresholds required to predict the impact of this variant on SEMA4A protein function. In summary, the available evidence is currently insufficient to determine the role of this variant in disease. Therefore, it has been classified as a Variant of Uncertain Significance.

Blueprint Genetics
Classification: Uncertain significance. Last evaluated: 2024-04-04. Review status: criteria provided, single submitter. Criteria: ACMG Guidelines, 2015. Collection method: clinical testing. Allele origin: germline.